The following is an entry in ClinVar:

NM_002227.4(JAK1):c.756CAA[1] (p.Asn253del)

Gene: JAK1 (Janus kinase 1; minus strand). Cytogenetic location: 1p31.3.
Variant type: Microsatellite.
Coding change: c.756CAA[1] on transcript NM_002227.4 (MANE Select); one copy of the 3-base unit CAA starting at c.756; the reference has two copies in a row; one copy, 3 bases deleted.
Protein change: p.Asn253del; deletes asparagine 253.
Molecular consequence: inframe deletion.
Genome position (GRCh38, 1-based): chr1:64,867,095-64,867,097, TTG deleted on the plus strand (CAA on the coding strand, the reverse complement: JAK1 is on the minus strand); deleting any 3 consecutive bases within chr1:64,867,095-64,867,102 gives the same sequence; the position shown is the placement nearest the transcript's 3' end. VCF-style (leftmost placement, unchanged base first): chr1-64867094-CTTG-C. GRCh37 (hg19) VCF-style: chr1-65332777-CTTG-C.
Other names: c.756CAA[1], p.Asn253del (NM_001320923.2, NM_001321852.2, NM_001321853.2 and 4 more transcripts); short protein forms N253del.
Identifiers: ClinVar variation 1444281 (VCV001444281.8), dbSNP rs1286252055, ClinGen allele CA523752714.

ClinVar aggregate classification (germline): Uncertain significance (1 of 4 stars; one submission).

Submission:

Labcorp Genetics (formerly Invitae), Labcorp
Classification: Uncertain significance. Last evaluated: 2022-07-12. Review status: criteria provided, single submitter. Criteria: Invitae Variant Classification Sherloc (09022015). Collection method: clinical testing. Allele origin: germline.
Comment: This variant has not been reported in the literature in individuals affected with JAK1-related conditions. Experimental studies and prediction algorithms are not available or were not evaluated, and the functional significance of this variant is currently unknown. In summary, the available evidence is currently insufficient to determine the role of this variant in disease. Therefore, it has been classified as a Variant of Uncertain Significance. This variant is present in population databases (no rsID available, gnomAD 0.003%). This variant, c.759_761del, results in the deletion of 1 amino acid(s) of the JAK1 protein (p.Asn253del), but otherwise preserves the integrity of the reading frame.